The following is an entry in ClinVar:

NM_001282531.3(ADNP):c.2971_2979del (p.Met991_Pro993del)

Gene: ADNP (activity dependent neuroprotector homeobox; minus strand). Cytogenetic location: 20q13.13.
Variant type: Deletion.
Coding change: c.2971_2979del on transcript NM_001282531.3 (MANE Select); coding-DNA positions 2971 to 2979, 9 bases deleted (ATGAAACCA; older notation c.2971_2979delATGAAACCA).
Protein change: p.Met991_Pro993del.
Molecular consequence: inframe deletion.
Genome position (GRCh38, 1-based): chr20:50,891,735-50,891,743, TGGTTTCAT deleted on the plus strand (ATGAAACCA on the coding strand, the reverse complement: ADNP is on the minus strand); deleting any 9 consecutive bases within chr20:50,891,735-50,891,744 gives the same sequence; the c. name uses the placement nearest the transcript's 3' end. VCF-style (leftmost placement, unchanged base first): chr20-50891734-CTGGTTTCAT-C. GRCh37 (hg19) VCF-style: chr20-49508271-CTGGTTTCAT-C.
Other names: c.2971_2979del, p.Met991_Pro993del (NM_001282532.2, NM_001347511.2, NM_015339.5 and 1 more transcripts); c.2971_2979del (NM_015339.2).
Identifiers: ClinVar variation 966928 (VCV000966928.11), dbSNP rs1980757171, ClinGen allele CA1018325510.

ClinVar aggregate classification (germline): Conflicting classifications of pathogenicity. Review status: criteria provided, conflicting classifications (1 of 4 stars). 3 submissions from 3 submitters: Uncertain significance (2); Likely benign (1). Last evaluated 2024-05-28.

Submissions (3):

GeneDx
Classification: Uncertain significance. Last evaluated: 2024-05-28. Review status: criteria provided, single submitter. Criteria: GeneDx Variant Classification Process June 2021. Collection method: clinical testing. Allele origin: germline. Affected: yes.
Comment: Not observed at significant frequency in large population cohorts (gnomAD); In-frame deletion of 3 amino acids in a non-repeat region; In silico analysis indicates that this variant does not alter protein structure/function; Has not been previously published as pathogenic or benign to our knowledge

Blueprint Genetics
Classification: Likely benign. Last evaluated: 2020-09-07. Review status: criteria provided, single submitter. Criteria: ACMG Guidelines, 2015. Collection method: clinical testing. Allele origin: germline.

Labcorp Genetics (formerly Invitae), Labcorp
Classification: Uncertain significance. Last evaluated: 2019-11-05. Review status: criteria provided, single submitter. Criteria: Invitae Variant Classification Sherloc (09022015). Collection method: clinical testing. Allele origin: germline.
Comment: In summary, the available evidence is currently insufficient to determine the role of this variant in disease. Therefore, it has been classified as a Variant of Uncertain Significance. This variant has not been reported in the literature in individuals with ADNP-related conditions. This variant is not present in population databases (ExAC no frequency). This variant, c.2971_2979del, results in the deletion of 3 amino acid(s) of the ADNP protein (p.Met991_Pro993del), but otherwise preserves the integrity of the reading frame.